The following is an entry in ClinVar:

NM_000719.7(CACNA1C):c.1640A>C (p.Asn547Thr)

Gene: CACNA1C (calcium voltage-gated channel subunit alpha1 C; plus strand). Cytogenetic location: 12p13.33.
Variant type: single nucleotide variant.
Coding change: c.1640A>C on transcript NM_000719.7 (MANE Select); coding-DNA position 1640, A replaced by C.
Protein change: p.Asn547Thr; replaces asparagine 547 with threonine.
Molecular consequence: missense variant.
Genome position (GRCh38, 1-based): chr12:2,566,553, A>C. VCF-style: chr12-2566553-A-C. GRCh37 (hg19) VCF-style: chr12-2675719-A-C.
Other names: c.1640A>C, p.Asn547Thr (NM_001129827.2, NM_001129829.2, NM_001129830.3 and 18 more transcripts); c.1631A>C, p.Asn544Thr (NM_001129844.2); short protein forms N544T, N547T.
Identifiers: ClinVar variation 2732333 (VCV002732333.3), dbSNP rs768614762, ClinGen allele CA383368670.

ClinVar aggregate classification (germline): Uncertain significance (1 of 4 stars; one submission).

Conditions:
Long QT syndrome (LQTS). Identifiers: MedGen C0023976, MeSH D008133, MONDO:0002442. Disease mechanism: loss of function. Inheritance: Various modes of inheritance.

gnomAD v4.1: 1 of 1,599,140 alleles (0.000063%); highest among the groups gnomAD compares: Non-Finnish European, 0.000085%; no homozygotes.

Submission:

Labcorp Genetics (formerly Invitae), Labcorp
Classification: Uncertain significance for Long QT syndrome. Last evaluated: 2023-06-28. Review status: criteria provided, single submitter. Criteria: Invitae Variant Classification Sherloc (09022015). Collection method: clinical testing. Allele origin: germline.
Comment: This variant is not present in population databases (gnomAD no frequency). In summary, the available evidence is currently insufficient to determine the role of this variant in disease. Therefore, it has been classified as a Variant of Uncertain Significance. Advanced modeling of protein sequence and biophysical properties (such as structural, functional, and spatial information, amino acid conservation, physicochemical variation, residue mobility, and thermodynamic stability) performed at Invitae indicates that this missense variant is expected to disrupt CACNA1C protein function. This variant has not been reported in the literature in individuals affected with CACNA1C-related conditions. This sequence change replaces asparagine, which is neutral and polar, with threonine, which is neutral and polar, at codon 547 of the CACNA1C protein (p.Asn547Thr).